The following is an entry in ClinVar:

ClinVar aggregate classification (germline): Conflicting classifications of pathogenicity. Review status: criteria provided, conflicting classifications (1 of 4 stars). 11 submissions from 9 submitters: Uncertain significance (2); Benign (2); Likely benign (5). 2 of the submissions do not count toward it. Last evaluated 2026-02-01.

Conditions:
Distal spinal muscular atrophy. Also called: Distal hereditary motor neuronopathy; Distal hereditary motor neuropathy. Identifiers: Orphanet 53739, MedGen C0393541, MONDO:0018894.
Charcot-Marie-Tooth disease type 2D (CMT2D). Also called: CHARCOT-MARIE-TOOTH DISEASE, AXONAL, TYPE 2D; GARS1 Adolescent- or Early Adult-Onset Hereditary Motor/Sensory Neuropathy (GARS1-HMSN); Charcot-Marie-Tooth Neuropathy Type 2D; CHARCOT-MARIE-TOOTH DISEASE, NEURONAL, TYPE 2D. Identifiers: Orphanet 99938, MedGen C1832274, MONDO:0011091, OMIM 601472.
GARS1-related disorder. Also called: GARS1-related condition.
Charcot-Marie-Tooth disease type 2. Also called: Charcot-Marie-Tooth type 2. Identifiers: Orphanet 64746, MedGen C0270914, MONDO:0018993.
Neuronopathy, distal hereditary motor, type 5A (HMND5). Also called: DHMN VA; NEURONOPATHY, DISTAL HEREDITARY MOTOR, AUTOSOMAL DOMINANT 5; Distal Spinal Muscular Atrophy V; Distal Spinal Muscular Atrophy V (dSMA-V). Identifiers: Orphanet 139536, MedGen CN031873, MONDO:0015353, OMIM 600794.
Charcot-Marie-Tooth disease. Also called: Charcot-Marie-Tooth Neuropathy; Charcot-Marie-Tooth Hereditary Neuropathy. Identifiers: Orphanet 166, MedGen C0007959, MONDO:0015626.

Allele frequency attached by ClinVar (database versions not stated): 1000 Genomes Project 30x 0.00016; 1000 Genomes Project 0.00020; TOPMed 0.00020; gnomAD 0.00021 and 0.00024; ESP Exome Variant Server 0.00025; gnomAD exomes 0.00025; ExAC 0.00029.
gnomAD v4.1: 400 of 1,614,218 alleles (0.025%); highest among the groups gnomAD compares: Non-Finnish European, 0.032%; no homozygotes.

Submissions (11):

CeGaT Center for Human Genetics Tuebingen
Classification: Likely benign. Last evaluated: 2026-02-01. Review status: criteria provided, single submitter. Criteria: CeGaT Center For Human Genetics Tuebingen Variant Classification Criteria Version 2. Collection method: clinical testing. Allele origin: germline. Affected: yes. Observed: 4 variant alleles.
Comment: GARS1: BP4, BS2

Labcorp Genetics (formerly Invitae), Labcorp
Classification: Likely benign for Charcot-Marie-Tooth disease type 2. Last evaluated: 2025-12-16. Review status: criteria provided, single submitter. Criteria: Invitae Variant Classification Sherloc (09022015). Collection method: clinical testing. Allele origin: germline.

GeneDx
Classification: Uncertain significance. Last evaluated: 2024-12-08. Review status: criteria provided, single submitter. Criteria: GeneDx Variant Classification Process June 2021. Collection method: clinical testing. Allele origin: germline. Affected: yes.
Comment: Identified in patients with Charcot-Marie-Tooth disease in published literature; however detailed clinical information and inheritance were not provided (PMID: 25614874, 32376792); Identified in a patient with sporadic amyotrophic lateral sclerosis in the published literature who also had a variant in another gene that may have been responsible for the phenotype (PMID: 27790088); In silico analysis indicates that this missense variant does not alter protein structure/function; This variant is associated with the following publications: (PMID: 25168514, 26138142, 26503042, 25614874, 32376792, 27790088)

Mayo Clinic Laboratories, Mayo Clinic
Classification: Likely benign. Last evaluated: 2024-07-02. Review status: criteria provided, single submitter. Criteria: ACMG Guidelines, 2015. Collection method: clinical testing. Allele origin: germline. Observed: 3 variant alleles.
Comment: BS2

ARUP Laboratories, Molecular Genetics and Genomics, ARUP Laboratories
Classification: Uncertain significance. Last evaluated: 2022-02-07. Review status: criteria provided, single submitter. Criteria: ARUP Molecular Germline Variant Investigation Process 2021. Collection method: clinical testing. Allele origin: germline.
Comment: The GARS1 c.1100A>G; p.Asn367Ser variant (rs192443850), to our knowledge, is not reported in the medical literature but is reported in ClinVar (Variation ID: 360011). This variant is found in the general population with an overall allele frequency of 0.025% (69/280970 alleles) in the Genome Aggregation Database. The asparagine at codon 367 is moderately conserved, and computational analyses are uncertain whether this variant is neutral or deleterious (REVEL: 0.263). Due to limited information, the clinical significance of this variant is uncertain at this time.

Ambry Genetics
Classification: Likely benign. Last evaluated: 2020-10-01. Review status: criteria provided, single submitter. Criteria: Ambry Variant Classification Scheme 2023. Collection method: clinical testing. Allele origin: germline.

Illumina Laboratory Services, Illumina
Classification: Benign for Distal hereditary motor neuronopathy type 5. Last evaluated: 2018-01-13. Review status: criteria provided, single submitter. Criteria: ICSL Variant Classification Criteria 13 December 2019. Collection method: clinical testing. Allele origin: germline.
Comment: This variant was observed in the ICSL laboratory as part of a predisposition screen in an ostensibly healthy population. It had not been previously curated by ICSL or reported in the Human Gene Mutation Database (HGMD: prior to June 1st, 2018), and was therefore a candidate for classification through an automated scoring system. Utilizing variant allele frequency, disease prevalence and penetrance estimates, and inheritance mode, an automated score was calculated to assess if this variant is too frequent to cause the disease. Based on the score and internal cut-off values, a variant classified as benign is not then subjected to further curation. The score for this variant resulted in a classification of benign for this disease.

Illumina Laboratory Services, Illumina
Classification: Likely benign for Charcot-Marie-Tooth disease type 2D. Last evaluated: 2018-01-13. Review status: criteria provided, single submitter. Criteria: ICSL Variant Classification Criteria 13 December 2019. Collection method: clinical testing. Allele origin: germline.
Comment: This variant was observed in the ICSL laboratory as part of a predisposition screen in an ostensibly healthy population. It had not been previously curated by ICSL or reported in the Human Gene Mutation Database (HGMD: prior to June 1st, 2018), and was therefore a candidate for classification through an automated scoring system. Utilizing variant allele frequency, disease prevalence and penetrance estimates, and inheritance mode, an automated score was calculated to assess if this variant is too frequent to cause the disease. Based on the score and internal cut-off values, a variant classified as likely benign is not then subjected to further curation. The score for this variant resulted in a classification of likely benign for this disease.

Illumina Laboratory Services, Illumina
Classification: Benign for Distal Spinal Muscular Atrophy. Last evaluated: 2018-01-13. Review status: criteria provided, single submitter. Criteria: ICSL Variant Classification Criteria 13 December 2019. Collection method: clinical testing. Allele origin: germline.
Comment: the same text as in the submission from Illumina Laboratory Services, Illumina above.

PreventionGenetics, part of Exact Sciences
Classification: Likely benign for GARS1-related condition. Last evaluated: 2022-12-22. Review status: no assertion criteria provided. Collection method: clinical testing. Allele origin: germline. Not counted in ClinVar's aggregate classification.
Comment: This variant is classified as likely benign based on ACMG/AMP sequence variant interpretation guidelines (Richards et al. 2015 PMID: 25741868, with internal and published modifications).

Inherited Neuropathy Consortium
Classification: Likely pathogenic for Charcot-Marie-Tooth disease. Review status: no assertion criteria provided. Collection method: provider interpretation. Allele origin: inherited. Affected: yes. Not counted in ClinVar's aggregate classification.

Literature cited by the submitters: PubMed 32376792 (cited by Mayo Clinic Laboratories, Mayo Clinic).

NM_002047.4(GARS1):c.1100A>G (p.Asn367Ser)

Gene: GARS1 (glycyl-tRNA synthetase 1; plus strand). Cytogenetic location: 7p14.3.
Variant type: single nucleotide variant.
Coding change: c.1100A>G on transcript NM_002047.4 (MANE Select); coding-DNA position 1100, A replaced by G.
Protein change: p.Asn367Ser; replaces asparagine 367 with serine.
Molecular consequence: missense variant.
Genome position (GRCh38, 1-based): chr7:30,615,964, A>G. VCF-style: chr7-30615964-A-G. GRCh37 (hg19) VCF-style: chr7-30655580-A-G.
Other names: p.Asn367Ser; c.1100A>G (LRG_243t1, NM_002047.3); c.938A>G, p.Asn313Ser (NM_001316772.1); short protein forms N367S, N313S.
Identifiers: ClinVar variation 360011 (VCV000360011.65), dbSNP rs192443850, ClinGen allele CA4205894.
Genomic context (GRCh38, chr7:30,615,964, plus strand): 5'-CAATGGCAGAAATTGAGCACTTTGTAGATCCCAGTGAGAAAGACCACCCCAAGTTCCAGA[A>G]TGTGGCAGACCTTCACCTTTATTTGTATTCAGCAAAAGCCCAGGTCAGCGGACAGTCCGC-3'
Protein context (NP_002038.2, residues 357-377): PSEKDHPKFQ[Asn367Ser]VADLHLYLYS